The following is an entry in ClinVar:

ClinVar aggregate classification (germline): Uncertain significance (1 of 4 stars; one submission).

Conditions:
TUB-related disorder. Also called: TUB-related condition.

gnomAD v4.1: 1 of 1,612,902 alleles (0.000062%); highest among the groups gnomAD compares: African/African-American, 0.0013%; no homozygotes.

Submission:

PreventionGenetics, part of Exact Sciences
Classification: Uncertain significance for TUB-related condition. Last evaluated: 2026-06-25. Review status: criteria provided, single submitter. Criteria: ACMG Guidelines, 2015. Collection method: clinical testing. Allele origin: germline.
Comment: The TUB c.661G>A variant is predicted to result in the amino acid substitution p.Gly221Arg. To our knowledge, this variant has not been reported in the literature. This variant is reported in 0.0064% of alleles in individuals of African descent in gnomAD. At this time, the clinical significance of this variant is uncertain due to the absence of conclusive functional and genetic evidence.

NM_177972.3(TUB):c.496G>A (p.Gly166Arg)

Genes: RIC3 (RIC3 acetylcholine receptor chaperone; minus strand), TUB (TUB bipartite transcription factor; plus strand). Cytogenetic location: 11p15.4.
Variant type: single nucleotide variant.
Coding change: c.496G>A on transcript NM_177972.3 (MANE Select); coding-DNA position 496, G replaced by A.
Protein change: p.Gly166Arg; replaces glycine 166 with arginine.
Molecular consequence: missense variant. On other transcripts: intron variant (3).
Genome position (GRCh38, 1-based): chr11:8,095,596, G>A. VCF-style: chr11-8095596-G-A. GRCh37 (hg19) VCF-style: chr11-8117143-G-A.
Other names: c.514G>A, p.Gly172Arg (NM_001440538.1, NM_001440539.1); c.661G>A, p.Gly221Arg (NM_003320.5); c.416-1089G>A (NM_001440540.1, NM_001440542.1); c.398-1089G>A (NM_001440541.1); short protein forms G166R, G221R, G172R.
Identifiers: ClinVar variation 4998541 (VCV004998541.1).